The following is an entry in ClinVar:

NM_001123385.2(BCOR):c.1264A>G (p.Ser422Gly)

Genes: BCOR (BCL6 corepressor; minus strand), LOC126863239 (MED14-independent group 3 enhancer GRCh37_chrX:39932994-39934193; plus strand). Cytogenetic location: Xp11.4.
Variant type: single nucleotide variant.
Coding change: c.1264A>G on transcript NM_001123385.2 (MANE Select); coding-DNA position 1264, A replaced by G.
Protein change: p.Ser422Gly; replaces serine 422 with glycine.
Molecular consequence: missense variant.
Genome position (GRCh38, 1-based): chrX:40,074,082, T>C on the plus strand (A>G on the coding strand, the complement: BCOR is on the minus strand). VCF-style: chrX-40074082-T-C. GRCh37 (hg19) VCF-style: chrX-39933335-T-C.
Other names: c.1264A>G, p.Ser422Gly (NM_001123383.2, NM_001123384.2, NM_017745.6); short protein forms S422G.
Identifiers: ClinVar variation 133678 (VCV000133678.4), dbSNP rs202240562, ClinGen allele CA157288.

ClinVar aggregate classification (germline): Uncertain significance. Review status: criteria provided, single submitter (1 of 4 stars). 2 submissions from 2 submitters: Uncertain significance (1). 1 of the submissions does not count toward it. Last evaluated 2023-04-02.

Conditions:
Oculofaciocardiodental syndrome (MCOPS2). Identifiers: Orphanet 2712, MedGen C1846265, MONDO:0010261, OMIM 300166.

Allele frequency attached by ClinVar (database versions not stated): ExAC 0.00001; gnomAD exomes 0.00002; gnomAD 0.00009 and 0.00010; TOPMed 0.00017; 1000 Genomes Project 30x 0.00021; 1000 Genomes Project 0.00026.
gnomAD v4.1: 36 of 1,210,811 alleles (0.003%); highest among the groups gnomAD compares: African/African-American, 0.059%; no homozygotes.

Submissions (2):

Labcorp Genetics (formerly Invitae), Labcorp
Classification: Uncertain significance for Oculofaciocardiodental syndrome. Last evaluated: 2023-04-02. Review status: criteria provided, single submitter. Criteria: Invitae Variant Classification Sherloc (09022015). Collection method: clinical testing. Allele origin: germline.
Comment: ClinVar contains an entry for this variant (Variation ID: 133678). In summary, the available evidence is currently insufficient to determine the role of this variant in disease. Therefore, it has been classified as a Variant of Uncertain Significance. Algorithms developed to predict the effect of missense changes on protein structure and function output the following: SIFT: "Not Available"; PolyPhen-2: "Benign"; Align-GVGD: "Not Available". The glycine amino acid residue is found in multiple mammalian species, which suggests that this missense change does not adversely affect protein function. This variant has not been reported in the literature in individuals affected with BCOR-related conditions. This variant is present in population databases (rs202240562, gnomAD 0.03%). This sequence change replaces serine, which is neutral and polar, with glycine, which is neutral and non-polar, at codon 422 of the BCOR protein (p.Ser422Gly).

ITMI
No classification provided. Condition: AllHighlyPenetrant. Last evaluated: 2013-09-19. Review status: no classification provided. Collection method: reference population. Allele origin: germline. Not counted in ClinVar's aggregate classification.
Comment: Please see associated publication for description of ethnicities

Literature cited by the submitters: PubMed 24728327 (cited by ITMI).